The following is an entry in ClinVar:

NM_000138.5(FBN1):c.7728C>G (p.Arg2576=)

Gene: FBN1 (fibrillin 1; minus strand). Cytogenetic location: 15q21.1.
Variant type: single nucleotide variant.
Coding change: c.7728C>G on transcript NM_000138.5 (MANE Select); coding-DNA position 7728, C replaced by G.
Protein change: p.Arg2576=; no amino-acid change (arginine 2576 retained).
Molecular consequence: synonymous variant.
Genome position (GRCh38, 1-based): chr15:48,420,778, G>C on the plus strand (C>G on the coding strand, the complement: FBN1 is on the minus strand). VCF-style: chr15-48420778-G-C. GRCh37 (hg19) VCF-style: chr15-48712975-G-C.
Other names: c.7728C>G, p.Arg2576= (NM_001406716.1).
Identifiers: ClinVar variation 2065483 (VCV002065483.9), dbSNP rs751226629, ClinGen allele CA059123.

ClinVar aggregate classification (germline): Likely benign. Review status: criteria provided, multiple submitters, no conflicts (2 of 4 stars). 5 submissions from 5 submitters: Likely benign (4). 1 of the submissions does not count toward it. Last evaluated 2025-11-24.

Conditions:
Familial thoracic aortic aneurysm and aortic dissection (TAAD). Also called: Thoracic aortic aneurysms and dissections. Identifiers: Orphanet 91387, MedGen C4707243, MONDO:0019625.
Marfan syndrome (MFS). Also called: MARFAN SYNDROME, TYPE I; Marfan syndrome type 1; Marfan's syndrome; Marfan syndrome, classic; FBN1-Related Marfan Syndrome. Identifiers: Orphanet 284963, Orphanet 558, MedGen C0024796, MONDO:0007947, OMIM 154700.
FBN1-related disorder. Also called: FBN1-related disorders.

Allele frequency attached by ClinVar (database versions not stated): ExAC 0.00003.
gnomAD v4.1: 2 of 1,614,098 alleles (0.00012%); highest among the groups gnomAD compares: Admixed American, 0.0017%; no homozygotes.

Submissions (5):

Ambry Genetics
Classification: Likely benign for Familial thoracic aortic aneurysm and aortic dissection. Last evaluated: 2025-11-24. Review status: criteria provided, single submitter. Criteria: Ambry Variant Classification Scheme 2023. Collection method: clinical testing. Allele origin: germline.

Labcorp Genetics (formerly Invitae), Labcorp
Classification: Likely benign for Marfan syndrome; Familial thoracic aortic aneurysm and aortic dissection. Last evaluated: 2025-05-04. Review status: criteria provided, single submitter. Criteria: Invitae Variant Classification Sherloc (09022015). Collection method: clinical testing. Allele origin: germline.

Color Diagnostics, LLC DBA Color Health
Classification: Likely benign for Familial thoracic aortic aneurysm and aortic dissection. Last evaluated: 2024-11-17. Review status: criteria provided, single submitter. Criteria: ACMG Guidelines, 2015. Collection method: clinical testing. Allele origin: germline.

Blueprint Genetics
Classification: Likely benign. Last evaluated: 2021-01-19. Review status: criteria provided, single submitter. Criteria: ACMG Guidelines, 2015. Collection method: clinical testing. Allele origin: germline.

PreventionGenetics, part of Exact Sciences
Classification: Likely benign for FBN1-related condition. Last evaluated: 2019-05-31. Review status: no assertion criteria provided. Collection method: clinical testing. Allele origin: germline. Not counted in ClinVar's aggregate classification.
Comment: This variant is classified as likely benign based on ACMG/AMP sequence variant interpretation guidelines (Richards et al. 2015 PMID: 25741868, with internal and published modifications).